The following is an entry in ClinVar:

NM_020821.3(VPS13C):c.698A>T (p.His233Leu)

Gene: VPS13C (vacuolar protein sorting 13 homolog C; minus strand). Cytogenetic location: 15q22.2.
Variant type: single nucleotide variant.
Coding change: c.698A>T on transcript NM_020821.3 (MANE Select); coding-DNA position 698, A replaced by T.
Protein change: p.His233Leu; replaces histidine 233 with leucine.
Molecular consequence: missense variant.
Genome position (GRCh38, 1-based): chr15:62,013,979, T>A on the plus strand (A>T on the coding strand, the complement: VPS13C is on the minus strand). VCF-style: chr15-62013979-T-A. GRCh37 (hg19) VCF-style: chr15-62306178-T-A.
Other names: c.698A>T, p.His233Leu (NM_001018088.3); c.569A>T, p.His190Leu (NM_017684.5, NM_018080.4); short protein forms H190L, H233L.
Identifiers: ClinVar variation 1931487 (VCV001931487.5), dbSNP rs761715917, ClinGen allele CA7597398.

ClinVar aggregate classification (germline): Uncertain significance (1 of 4 stars; one submission).

Allele frequency attached by ClinVar (database versions not stated): ExAC 0.00001.

Submission:

Labcorp Genetics (formerly Invitae), Labcorp
Classification: Uncertain significance. Last evaluated: 2025-10-22. Review status: criteria provided, single submitter. Criteria: Invitae Variant Classification Sherloc (09022015). Collection method: clinical testing. Allele origin: germline.
Comment: This sequence change replaces histidine, which is basic and polar, with leucine, which is neutral and non-polar, at codon 233 of the VPS13C protein (p.His233Leu). This variant is present in population databases (rs761715917, gnomAD 0.002%). This variant has not been reported in the literature in individuals affected with VPS13C-related conditions. ClinVar contains an entry for this variant (Variation ID: 1931487). Invitae Evidence Modeling of protein sequence and biophysical properties (such as structural, functional, and spatial information, amino acid conservation, physicochemical variation, residue mobility, and thermodynamic stability) indicates that this missense variant is not expected to disrupt VPS13C protein function with a negative predictive value of 80%. In summary, the available evidence is currently insufficient to determine the role of this variant in disease. Therefore, it has been classified as a Variant of Uncertain Significance.